The following is an entry in ClinVar:

NM_002386.4(MC1R):c.-374G>A

Gene: MC1R (melanocortin 1 receptor; plus strand). Cytogenetic location: 16q24.3.
Variant type: single nucleotide variant.
Coding change: c.-374G>A on transcript NM_002386.4 (MANE Select); 374 bases upstream of the start codon, G replaced by A.
Molecular consequence: 5 prime UTR variant.
Genome position (GRCh38, 1-based): chr16:89,918,885, G>A. VCF-style: chr16-89918885-G-A. GRCh37 (hg19) VCF-style: chr16-89985293-G-A.
Identifiers: ClinVar variation 321405 (VCV000321405.5), dbSNP rs555058897, ClinGen allele CA10644663.
Genomic context (GRCh38, chr16:89,918,885, plus strand): 5'-TCTGAGAACGACTTTTTAAAACGCAGAGAAAAGCTCCATTCTTCCCAGGACCTCAGCGCA[G>A]CCCTGGCCCAGGAAGGCAGGAGACAGAGGCCAGGACGGTCCAGAGGTGTCGAAATGTCCT-3'

ClinVar aggregate classification (germline): Benign (1 of 4 stars; one submission).

Conditions:
Melanoma, cutaneous malignant, susceptibility to, 5. Also called: Cutaneous malignant melanoma 5. Identifiers: Orphanet 618, MedGen C2751295, MONDO:0013133, OMIM 613099.

Allele frequency attached by ClinVar (database versions not stated): 1000 Genomes Project 0.00060; gnomAD 0.00113 and 0.00115; TOPMed 0.00110; gnomAD exomes 0.00136; 1000 Genomes Project 30x 0.00031.

Submission:

Illumina Laboratory Services, Illumina
Classification: Benign for Melanoma, cutaneous malignant, susceptibility to, 5. Last evaluated: 2018-01-12. Review status: criteria provided, single submitter. Criteria: ICSL Variant Classification Criteria 13 December 2019. Collection method: clinical testing. Allele origin: germline.
Comment: This variant was observed in the ICSL laboratory as part of a predisposition screen in an ostensibly healthy population. It had not been previously curated by ICSL or reported in the Human Gene Mutation Database (HGMD: prior to June 1st, 2018), and was therefore a candidate for classification through an automated scoring system. Utilizing variant allele frequency, disease prevalence and penetrance estimates, and inheritance mode, an automated score was calculated to assess if this variant is too frequent to cause the disease. Based on the score and internal cut-off values, a variant classified as benign is not then subjected to further curation. The score for this variant resulted in a classification of benign for this disease.